The following is an entry in ClinVar:

ClinVar aggregate classification (germline): Uncertain significance. Review status: criteria provided, multiple submitters, no conflicts (2 of 4 stars). 4 submissions from 4 submitters: Uncertain significance (4). Last evaluated 2024-10-15.

Conditions:
Developmental and epileptic encephalopathy, 77. Also called: GLYCOSYLPHOSPHATIDYLINOSITOL BIOSYNTHESIS DEFECT 19; MULTIPLE CONGENITAL ANOMALIES-HYPOTONIA-SEIZURES SYNDROME 4; EPILEPTIC ENCEPHALOPATHY, EARLY INFANTILE, 77. Identifiers: MedGen C5231405, MONDO:0032808, OMIM 618548.
Epilepsy. Also called: Seizure disorder. Identifiers: MedGen C0014544, MeSH D004827, MONDO:0005027.
Inborn genetic diseases. Identifiers: MedGen C0950123, MeSH D030342.

Allele frequency attached by ClinVar (database versions not stated): gnomAD exomes 0.00002; ExAC 0.00004; gnomAD 0.00006 and 0.00007; TOPMed 0.00006; ESP Exome Variant Server 0.00008; 1000 Genomes Project 30x 0.00016; 1000 Genomes Project 0.00020.

Submissions (4):

Labcorp Genetics (formerly Invitae), Labcorp
Classification: Uncertain significance for Epilepsy. Last evaluated: 2024-10-15. Review status: criteria provided, single submitter. Criteria: Invitae Variant Classification Sherloc (09022015). Collection method: clinical testing. Allele origin: germline.
Comment: This sequence change replaces arginine, which is basic and polar, with glutamine, which is neutral and polar, at codon 22 of the PIGQ protein (p.Arg22Gln). This variant is present in population databases (rs372361502, gnomAD 0.02%). This missense change has been observed in individual(s) with clinical features of PIGQ-related conditions (internal data). ClinVar contains an entry for this variant (Variation ID: 654701). An algorithm developed to predict the effect of missense changes on protein structure and function (PolyPhen-2) suggests that this variant¬†is likely to be tolerated. In summary, the available evidence is currently insufficient to determine the role of this variant in disease. Therefore, it has been classified as a Variant of Uncertain Significance.

Blueprint Genetics
Classification: Uncertain significance. Last evaluated: 2024-09-11. Review status: criteria provided, single submitter. Criteria: ACMG Guidelines, 2015. Collection method: clinical testing. Allele origin: germline.

Ambry Genetics
Classification: Uncertain significance for Inborn genetic diseases. Last evaluated: 2022-06-13. Review status: criteria provided, single submitter. Criteria: Ambry Variant Classification Scheme 2023. Collection method: clinical testing. Allele origin: germline.

New York Genome Center
Classification: Uncertain significance for Developmental and epileptic encephalopathy, 77. Last evaluated: 2020-06-12. Review status: criteria provided, single submitter. Criteria: NYGC Assertion Criteria 2020. Collection method: clinical testing. Allele origin: germline. Observed: 1 heterozygote. Study: CSER-NYCKidSeq.

NM_004204.5(PIGQ):c.65G>A (p.Arg22Gln)

Gene: PIGQ (phosphatidylinositol glycan anchor biosynthesis class Q; plus strand). Cytogenetic location: 16p13.3.
Variant type: single nucleotide variant.
Coding change: c.65G>A on transcript NM_004204.5 (MANE Select); coding-DNA position 65, G replaced by A.
Protein change: p.Arg22Gln; replaces arginine 22 with glutamine.
Molecular consequence: missense variant.
Genome position (GRCh38, 1-based): chr16:574,139, G>A. VCF-style: chr16-574139-G-A. GRCh37 (hg19) VCF-style: chr16-624139-G-A.
Other names: c.65G>A (NM_148920.1); c.65G>A, p.Arg22Gln (NM_148920.4); short protein forms R22Q.
Identifiers: ClinVar variation 654701 (VCV000654701.11), dbSNP rs372361502, ClinGen allele CA7779772.